The following is an entry in ClinVar:

NM_000059.4(BRCA2):c.6355_6357delinsT (p.Asn2119fs)

Gene: BRCA2 (BRCA2 DNA repair associated; plus strand). Cytogenetic location: 13q13.1.
Variant type: Indel.
Coding change: c.6355_6357delinsT on transcript NM_000059.4 (MANE Select); coding-DNA positions 6355 to 6357, AAC replaced by T.
Protein change: p.Asn2119fs; shifts the reading frame from asparagine 2119.
Molecular consequence: frameshift variant.
Genome position (GRCh38, 1-based): chr13:32,340,710-32,340,712, AAC replaced by T. VCF-style: chr13-32340710-AAC-T. GRCh37 (hg19) VCF-style: chr13-32914847-AAC-T.
Other names: c.6355_6357delAACinsT (NM_000059.3); short protein forms N2119fs.
Identifiers: ClinVar variation 483132 (VCV000483132.5), dbSNP rs1555284649, ClinGen allele CA658656330.

ClinVar aggregate classification (germline): Pathogenic (1 of 4 stars; one submission).

Conditions:
Hereditary cancer-predisposing syndrome. Also called: Neoplastic Syndromes, Hereditary; Tumor predisposition; Hereditary Cancer Syndrome; Hereditary neoplastic syndrome. Identifiers: Orphanet 140162, MedGen C0027672, MeSH D009386, MONDO:0015356.

Submission:

Ambry Genetics
Classification: Pathogenic for Hereditary cancer-predisposing syndrome. Last evaluated: 2017-08-16. Review status: criteria provided, single submitter. Criteria: Ambry Variant Classification Scheme 2023. Collection method: clinical testing. Allele origin: germline.
Comment: The c.6355_6357delAACinsT pathogenic mutation, located in coding exon 10 of the BRCA2 gene, results from the deletion of 3 nucleotides and insertion of one nucleotide causing a translational frameshift with a predicted alternate stop codon (p.N2119Ffs*9). This alteration is expected to result in loss of function by premature protein truncation or nonsense-mediated mRNA decay. As such, this alteration is interpreted as a disease-causing mutation.